The following is an entry in ClinVar:

ClinVar aggregate classification (germline): Likely pathogenic. Review status: criteria provided, multiple submitters, no conflicts (2 of 4 stars). 2 submissions from 2 submitters: Likely pathogenic (2). Last evaluated 2025-03-04.

Conditions:
Nemaline myopathy. Also called: Myopathies, Nemaline. Identifiers: Orphanet 607, MedGen C0206157, MONDO:0018958.
Nemaline myopathy 2 (NEM2). Also called: Nemaline myopathy 2, autosomal recessive. Identifiers: MedGen C1850569, MONDO:0009725, OMIM 256030.

Submissions (2):

Broad Center for Mendelian Genomics, Broad Institute of MIT and Harvard
Classification: Likely pathogenic for Nemaline myopathy. Last evaluated: 2025-03-04. Review status: criteria provided, single submitter. Criteria: ACMG Guidelines, 2015. Collection method: curation. Allele origin: germline. Inheritance: Autosomal recessive inheritance.
Comment: The p.Tyr6722SerfsTer19 variant in NEB has not been previously reported in the literature in individuals with nemaline myopathy, but has been identified in 0.00009% (1/1178780) of European (non-Finnish) chromosomes by the Genome Aggregation Database (gnomAD; dbSNP ID: rs1355594941). Although this variant has been seen in the general population in a heterozygous state, its frequency is low enough to be consistent with a recessive carrier frequency. This variant has also been reported in ClinVar (Variation ID: 1726173) and has been interpreted as likely pathogenic by Myriad Genetics, Inc. This variant is predicted to cause a frameshift, which alters the protein‚Äôs amino acid sequence beginning at position 6722 and leads to a premature termination codon 19 amino acids downstream. This alteration is then predicted to lead to a truncated or absent protein. Loss of function of the NEB gene is an established disease mechanism in autosomal recessive nemaline myopathy. In summary, although additional studies are required to fully establish its clinical significance, this variant is likely pathogenic for autosomal recessive nemaline myopathy. ACMG/AMP Criteria applied: PVS1, PM2_supporting (Richards 2015).

Myriad Genetics, Inc.
Classification: Likely pathogenic for Nemaline myopathy 2. Last evaluated: 2022-05-18. Review status: criteria provided, single submitter. Criteria: Myriad Women's Health Autosomal Recessive and X-Linked Classification Criteria (2021). Collection method: clinical testing. Allele origin: unknown.
Comment: NM_001271208.1(NEB):c.20163_20164delGT(Y6722Sfs*19) is expected to be pathogenic in the context of NEB-related nemaline myopathy. This variant is predicted to lead to an abnormal or absent protein product due to the creation of a premature termination codon in NEB, a gene where loss-of-function variants are known to be pathogenic. Please note: this variant was assessed in the context of healthy population screening.

NM_001164508.2(NEB):c.20163_20164del (p.Tyr6722fs)

Gene: NEB (nebulin; minus strand). Cytogenetic location: 2q23.3.
Variant type: Deletion.
Coding change: c.20163_20164del on transcript NM_001164508.2 (MANE Select); coding-DNA positions 20163 to 20164, 2 bases deleted (GT; older notation c.20163_20164delGT).
Protein change: p.Tyr6722fs; shifts the reading frame from tyrosine 6722.
Molecular consequence: frameshift variant.
Genome position (GRCh38, 1-based): chr2:151,547,732-151,547,733, AC deleted on the plus strand (GT on the coding strand, the reverse complement: NEB is on the minus strand); deleting any 2 consecutive bases within chr2:151,547,732-151,547,734 gives the same sequence; the c. name uses the placement nearest the transcript's 3' end. VCF-style (leftmost placement, unchanged base first): chr2-151547731-TAC-T. GRCh37 (hg19) VCF-style: chr2-152404245-TAC-T.
Other names: NM_001164508.2(NEB):c.20163_20164del; p.Tyr6722fs; c.20163_20164del, p.Tyr6722fs (NM_001164507.2, NM_001271208.2); c.15060_15061del, p.Tyr5021fs (NM_004543.5); short protein forms Y5021fs, Y6722fs.
Identifiers: ClinVar variation 1726173 (VCV001726173.3), dbSNP rs1355594941, ClinGen allele CA537030111.